The following is an entry in ClinVar:

ClinVar aggregate classification (germline): Uncertain significance (1 of 4 stars; one submission).

Conditions:
Malignant hyperthermia, susceptibility to, 5 (MHS5). Also called: CACNA1S-Related Malignant Hyperthermia Susceptibility. Identifiers: Orphanet 423, MedGen C1866077, MONDO:0011163, OMIM 601887.

Allele frequency attached by ClinVar (database versions not stated): TOPMed 0.00001.

Submission:

All of Us Research Program, National Institutes of Health
Classification: Uncertain significance for Malignant hyperthermia, susceptibility to, 5. Last evaluated: 2023-11-30. Review status: criteria provided, single submitter. Criteria: ACMG Guidelines, 2015. Collection method: clinical testing. Allele origin: germline. Inheritance: Autosomal dominant inheritance. Observed: 1 variant allele, 1 heterozygote.
Comment: This study involves interpretation of variants in research participants for the purpose of population health screening. Participant phenotype was not available at the time of variant classification. Additional details can be found in publication PMID: 35346344, PMCID: PMC8962531

NM_000069.3(CACNA1S):c.4816G>A (p.Gly1606Ser)

Gene: CACNA1S (calcium voltage-gated channel subunit alpha1 S; minus strand). Cytogenetic location: 1q32.1.
Variant type: single nucleotide variant.
Coding change: c.4816G>A on transcript NM_000069.3 (MANE Select); coding-DNA position 4816, G replaced by A.
Protein change: p.Gly1606Ser; replaces glycine 1606 with serine.
Molecular consequence: missense variant.
Genome position (GRCh38, 1-based): chr1:201,043,513, C>T on the plus strand (G>A on the coding strand, the complement: CACNA1S is on the minus strand). VCF-style: chr1-201043513-C-T. GRCh37 (hg19) VCF-style: chr1-201012641-C-T.
Other names: short protein forms G1606S.
Identifiers: ClinVar variation 3073887 (VCV003073887.1), dbSNP rs933728424, ClinGen allele CA35992824.
Genomic context (GRCh38, chr1:201,043,513, plus strand): 5'-TCTGATTGGCCATGACGGGGGGCAGGGAGTTGGTCCTTTCCAGGAAGTTGTCCACCTGGC[C>T]AAACAGGCCTCCAGTCCTCTAGGGGCAAGGAGAAGAGCAGTGACTGGGGGTGAGGGCAGG-3'
Protein context (NP_000060.2, residues 1596-1616): GIFRRTGGLF[Gly1606Ser]QVDNFLERTN